The following is an entry in ClinVar:

NM_000632.4(ITGAM):c.1910A>G (p.Glu637Gly)

Gene: ITGAM (integrin subunit alpha M; plus strand). Cytogenetic location: 16p11.2.
Variant type: single nucleotide variant.
Coding change: c.1910A>G on transcript NM_000632.4 (MANE Select); coding-DNA position 1910, A replaced by G.
Protein change: p.Glu637Gly; replaces glutamic acid 637 with glycine.
Molecular consequence: missense variant.
Genome position (GRCh38, 1-based): chr16:31,321,535, A>G. VCF-style: chr16-31321535-A-G. GRCh37 (hg19) VCF-style: chr16-31332856-A-G.
Other names: c.1910A>G (NM_000632.3); c.1913A>G, p.Glu638Gly (NM_001145808.2); short protein forms E638G, E637G.
Identifiers: ClinVar variation 1505149 (VCV001505149.7), dbSNP rs1227747360, ClinGen allele CA395682078.
Genomic context (GRCh38, chr16:31,321,535, plus strand): 5'-TACTGAGAGTCAAGGCAATCATGGAGTTCAATCCCAGGGAAGTGGCAAGGAATGTATTTG[A>G]GTGTAATGATCAGGTGGTGAAAGGCAAGGAAGCCGGAGAGGTCAGAGTCTGCCTCCATGT-3'
Protein context (NP_000623.2, residues 627-647): NPREVARNVF[Glu637Gly]CNDQVVKGKE

ClinVar aggregate classification (germline): Uncertain significance. Review status: criteria provided, multiple submitters, no conflicts (2 of 4 stars). 2 submissions from 2 submitters: Uncertain significance (2). Last evaluated 2025-01-18.

Allele frequency attached by ClinVar (database versions not stated): TOPMed below 0.00001.

Submissions (2):

Ambry Genetics
Classification: Uncertain significance. Last evaluated: 2025-01-18. Review status: criteria provided, single submitter. Criteria: Ambry Variant Classification Scheme 2023. Collection method: clinical testing. Allele origin: germline.

Labcorp Genetics (formerly Invitae), Labcorp
Classification: Uncertain significance. Last evaluated: 2021-11-22. Review status: criteria provided, single submitter. Criteria: Invitae Variant Classification Sherloc (09022015). Collection method: clinical testing. Allele origin: germline.
Comment: This sequence change replaces glutamic acid, which is acidic and polar, with glycine, which is neutral and non-polar, at codon 637 of the ITGAM protein (p.Glu637Gly). This variant is not present in population databases (gnomAD no frequency). This variant has not been reported in the literature in individuals affected with ITGAM-related conditions. Algorithms developed to predict the effect of missense changes on protein structure and function are either unavailable or do not agree on the potential impact of this missense change (SIFT: "Tolerated"; PolyPhen-2: "Possibly Damaging"; Align-GVGD: "Class C0"). In summary, the available evidence is currently insufficient to determine the role of this variant in disease. Therefore, it has been classified as a Variant of Uncertain Significance.